The following is an entry in ClinVar:

ClinVar aggregate classification (germline): Benign (1 of 4 stars; one submission).

Allele frequency attached by ClinVar (database versions not stated): gnomAD exomes 0.00438; gnomAD 0.03699 and 0.03951; TOPMed 0.04304; 1000 Genomes Project 0.04353; 1000 Genomes Project 30x 0.04497.
gnomAD v4.1: 8,318 of 730,122 alleles (1.1%); highest among the groups gnomAD compares: African/African-American, 13%; 467 homozygotes.

Submission:

GeneDx
Classification: Benign. Last evaluated: 2018-06-19. Review status: criteria provided, single submitter. Criteria: GeneDx Variant Classification (06012015). Collection method: clinical testing. Allele origin: germline. Affected: yes.
Comment: This variant is considered likely benign or benign based on one or more of the following criteria: it is a conservative change, it occurs at a poorly conserved position in the protein, it is predicted to be benign by multiple in silico algorithms, and/or has population frequency not consistent with disease.

NM_000540.3(RYR1):c.4160+114T>G

Gene: RYR1 (ryanodine receptor 1; plus strand). Cytogenetic location: 19q13.2.
Variant type: single nucleotide variant.
Coding change: c.4160+114T>G on transcript NM_000540.3 (MANE Select); 114 bases into the intron after coding-DNA position 4160, T replaced by G.
Molecular consequence: intron variant.
Genome position (GRCh38, 1-based): chr19:38,473,885, T>G. VCF-style: chr19-38473885-T-G. GRCh37 (hg19) VCF-style: chr19-38964525-T-G.
Other names: c.4160+114T>G (NM_001042723.2).
Identifiers: ClinVar variation 669186 (VCV000669186.1), dbSNP rs16972639, ClinGen allele CA308079897.